The following is an entry in ClinVar:

NM_001384732.1(CPLANE1):c.8141G>A (p.Arg2714Gln)

Gene: CPLANE1 (ciliogenesis and planar polarity effector complex subunit 1; minus strand). Cytogenetic location: 5p13.2.
Variant type: single nucleotide variant.
Coding change: c.8141G>A on transcript NM_001384732.1 (MANE Select); coding-DNA position 8141, G replaced by A.
Protein change: p.Arg2714Gln; replaces arginine 2714 with glutamine.
Molecular consequence: missense variant.
Genome position (GRCh38, 1-based): chr5:37,153,972, C>T on the plus strand (G>A on the coding strand, the complement: CPLANE1 is on the minus strand). VCF-style: chr5-37153972-C-T. GRCh37 (hg19) VCF-style: chr5-37154074-C-T.
Other names: c.7979G>A, p.Arg2660Gln (NM_023073.4); short protein forms R2660Q, R2714Q.
Identifiers: ClinVar variation 1363547 (VCV001363547.5), dbSNP rs765750324, ClinGen allele CA3237852.
Genomic context (GRCh38, chr5:37,153,972, plus strand): 5'-AGCCGTTTCCACAATAGATAATCTTCTGCAGAGTCTGACTTTGTGCTCTGTCCTTTGAAT[C>T]GGAACTCTGGTTTTGGCAGACCTAAATATTAATAAGAATAAAAGCAGAATTGATTATAAT-3'
Protein context (NP_001371661.1, residues 2704-2724): QNKGLPKPEF[Arg2714Gln]FKGQSTKSDS

ClinVar aggregate classification (germline): Uncertain significance (1 of 4 stars; one submission).

Allele frequency attached by ClinVar (database versions not stated): gnomAD 0.00001; gnomAD exomes below 0.00001; ExAC 0.00001.
gnomAD v4.1: 7 of 1,610,320 alleles (0.00043%); highest among the groups gnomAD compares: Middle Eastern, 0.016%; no homozygotes.

Submission:

Labcorp Genetics (formerly Invitae), Labcorp
Classification: Uncertain significance. Last evaluated: 2024-10-25. Review status: criteria provided, single submitter. Criteria: Invitae Variant Classification Sherloc (09022015). Collection method: clinical testing. Allele origin: germline.
Comment: This sequence change replaces arginine, which is basic and polar, with glutamine, which is neutral and polar, at codon 2660 of the CPLANE1 protein (p.Arg2660Gln). This variant is present in population databases (rs765750324, gnomAD no frequency). This variant has not been reported in the literature in individuals affected with CPLANE1-related conditions. ClinVar contains an entry for this variant (Variation ID: 1363547). Invitae Evidence Modeling of protein sequence and biophysical properties (such as structural, functional, and spatial information, amino acid conservation, physicochemical variation, residue mobility, and thermodynamic stability) indicates that this missense variant is not expected to disrupt CPLANE1 protein function with a negative predictive value of 95%. In summary, the available evidence is currently insufficient to determine the role of this variant in disease. Therefore, it has been classified as a Variant of Uncertain Significance.